The following is an entry in ClinVar:

NC_012920.1(MT-TG):m.10003T>C

Gene: MT-TG (mitochondrially encoded tRNA glycine; plus strand).
Variant type: single nucleotide variant.
Genome position: chrM-10003-T-C.
Identifiers: ClinVar variation 690091 (VCV000690091.1), dbSNP rs1603222620, ClinGen allele CA658498460.

ClinVar aggregate classification (germline): Benign (1 of 4 stars; one submission).

Conditions:
MELAS syndrome (MELAS). Also called: Juvenile myopathy, encephalopathy, lactic acidosis, stroke. Identifiers: Orphanet 550, MedGen C0162671, MONDO:0010789, OMIM 540000.

Submission:

Wong Mito Lab, Molecular and Human Genetics, Baylor College of Medicine
Classification: Benign for MELAS syndrome. Last evaluated: 2019-07-12. Review status: criteria provided, single submitter. Criteria: Modified ACMG Guidelines (Unpublished). Collection method: clinical testing. Allele origin: germline.
Comment: The NC_012920.1:m.10003T>C variant in MT-TG gene is interpreted to be a Benign variant based on the modified ACMG guidelines (unpublished). This variant meets the following evidence codes reported in the guidelines: BS1, BS2, BP4

Literature cited by the submitters: PubMed 31965079; PubMed 8079988.